The following is an entry in ClinVar:

NM_005045.4(RELN):c.7938C>A (p.Asp2646Glu)

Gene: RELN (reelin; minus strand). Cytogenetic location: 7q22.1.
Variant type: single nucleotide variant.
Coding change: c.7938C>A on transcript NM_005045.4 (MANE Select); coding-DNA position 7938, C replaced by A.
Protein change: p.Asp2646Glu; replaces aspartic acid 2646 with glutamic acid.
Molecular consequence: missense variant.
Genome position (GRCh38, 1-based): chr7:103,515,366, G>T on the plus strand (C>A on the coding strand, the complement: RELN is on the minus strand). VCF-style: chr7-103515366-G-T. GRCh37 (hg19) VCF-style: chr7-103155813-G-T.
Other names: c.7938C>A, p.Asp2646Glu (NM_173054.3); short protein forms D2646E.
Identifiers: ClinVar variation 2635487 (VCV002635487.1), dbSNP rs748558740, ClinGen allele CA368763350.
Genomic context (GRCh38, chr7:103,515,366, plus strand): 5'-TTGGTCAGCAGAGCCTGAGATGAGGACATTGTCAATGGCCCAGTCGTTCTGATCCAGGCC[G>T]TCATGTCTTGGCTGCCACCAGCGGAAGCGAGTGGCAATCTCTTTAGCATCAGGAGGGAGA-3'
Protein context (NP_005036.2, residues 2636-2656): TRFRWWQPRH[Asp2646Glu]GLDQNDWAID

ClinVar aggregate classification (germline): Uncertain significance (1 of 4 stars; one submission).

Conditions:
RELN-related disorder. Also called: RELN-related condition.

Submission:

PreventionGenetics, part of Exact Sciences
Classification: Uncertain significance for RELN-related condition. Last evaluated: 2022-12-19. Review status: criteria provided, single submitter. Criteria: ACMG Guidelines, 2015. Collection method: clinical testing. Allele origin: germline.
Comment: The RELN c.7938C>A variant is predicted to result in the amino acid substitution p.Asp2646Glu. To our knowledge, this variant has not been reported in the literature or in a large population database, indicating this variant is rare. At this time, the clinical significance of this variant is uncertain due to the absence of conclusive functional and genetic evidence.